The following is an entry in ClinVar:

ClinVar aggregate classification (germline): Benign. Review status: criteria provided, multiple submitters, no conflicts (2 of 4 stars). 5 submissions from 5 submitters: Benign (4). 1 of the submissions does not count toward it. Last evaluated 2026-01-25.

Conditions:
VPS13A-related neurodegenerative disease. Also called: LEVINE-CRITCHLEY SYNDROME; Choreoacanthocytosis; VPS13A Disease; Chorea-acanthocytosis; ACANTHOCYTOSIS WITH NEUROLOGIC DISORDER; Choreaacanthocytosis. Identifiers: Orphanet 2388, MedGen C0393576, MONDO:0008695, OMIM 200150.

Allele frequency attached by ClinVar (database versions not stated): gnomAD exomes 0.00060 and 0.00158; ExAC 0.00183; 1000 Genomes Project 30x 0.00468; 1000 Genomes Project 0.00519; ESP Exome Variant Server 0.00554; gnomAD 0.00583 and 0.00643; TOPMed 0.00693.
gnomAD v4.1: 1,800 of 1,613,544 alleles (0.11%); highest among the groups gnomAD compares: African/African-American, 2.2%; 26 homozygotes.

Submissions (5):

Labcorp Genetics (formerly Invitae), Labcorp
Classification: Benign. Last evaluated: 2026-01-25. Review status: criteria provided, single submitter. Criteria: Invitae Variant Classification Sherloc (09022015). Collection method: clinical testing. Allele origin: germline.

Illumina Laboratory Services, Illumina
Classification: Benign for VPS13A-related neurodegenerative disease. Last evaluated: 2018-01-13. Review status: criteria provided, single submitter. Criteria: ICSL Variant Classification Criteria 13 December 2019. Collection method: clinical testing. Allele origin: germline.
Comment: This variant was observed in the ICSL laboratory as part of a predisposition screen in an ostensibly healthy population. It had not been previously curated by ICSL or reported in the Human Gene Mutation Database (HGMD: prior to June 1st, 2018), and was therefore a candidate for classification through an automated scoring system. Utilizing variant allele frequency, disease prevalence and penetrance estimates, and inheritance mode, an automated score was calculated to assess if this variant is too frequent to cause the disease. Based on the score and internal cut-off values, a variant classified as benign is not then subjected to further curation. The score for this variant resulted in a classification of benign for this disease.

Athena Diagnostics
Classification: Benign. Last evaluated: 2016-10-18. Review status: criteria provided, single submitter. Criteria: Athena Diagnostics Criteria. Collection method: clinical testing. Allele origin: germline.

Breakthrough Genomics
Classification: Benign. Review status: criteria provided, single submitter. Criteria: ACMG Guidelines, 2015. Collection method: not provided. Allele origin: germline. Inheritance: Autosomal recessive inheritance. Affected: yes.

Natera, Inc.
Classification: Benign for Choreaacanthocytosis. Last evaluated: 2020-09-16. Review status: no assertion criteria provided. Collection method: clinical testing. Allele origin: germline. Not counted in ClinVar's aggregate classification.

NM_033305.3(VPS13A):c.5625A>G (p.Leu1875=)

Gene: VPS13A (vacuolar protein sorting 13 homolog A; plus strand). Cytogenetic location: 9q21.2.
Variant type: single nucleotide variant.
Coding change: c.5625A>G on transcript NM_033305.3 (MANE Select); coding-DNA position 5625, A replaced by G.
Protein change: p.Leu1875=; no amino-acid change (leucine 1875 retained).
Molecular consequence: synonymous variant.
Genome position (GRCh38, 1-based): chr9:77,321,541, A>G. VCF-style: chr9-77321541-A-G. GRCh37 (hg19) VCF-style: chr9-79936457-A-G.
Other names: c.5508A>G, p.Leu1836= (NM_001018037.2); c.5625A>G, p.Leu1875= (NM_001018038.3, NM_015186.4).
Identifiers: ClinVar variation 448867 (VCV000448867.18), dbSNP rs146280301, ClinGen allele CA5092824.